The following is an entry in ClinVar:

ClinVar aggregate classification (germline): Likely benign (1 of 4 stars; one submission).

Allele frequency attached by ClinVar (database versions not stated): TOPMed below 0.00001; gnomAD 0.00002.
gnomAD v4.1: 3 of 1,207,609 alleles (0.00025%); highest among the groups gnomAD compares: Middle Eastern, 0.023%; no homozygotes.

Submission:

CeGaT Center for Human Genetics Tuebingen
Classification: Likely benign. Last evaluated: 2022-06-01. Review status: criteria provided, single submitter. Criteria: CeGaT Center For Human Genetics Tuebingen Variant Classification Criteria Version 2. Collection method: clinical testing. Allele origin: germline. Affected: yes. Observed: 1 variant allele.
Comment: FRMPD3: BP4, BP7

NM_001388459.1(FRMPD3):c.2797C>T (p.Leu933=)

Gene: FRMPD3 (FERM and PDZ domain containing 3; plus strand). Cytogenetic location: Xq22.3.
Variant type: single nucleotide variant.
Coding change: c.2797C>T on transcript NM_001388459.1 (MANE Select); coding-DNA position 2797, C replaced by T.
Protein change: p.Leu933=; no amino-acid change (leucine 933 retained).
Molecular consequence: synonymous variant.
Genome position (GRCh38, 1-based): chrX:107,600,836, C>T. VCF-style: chrX-107600836-C-T. GRCh37 (hg19) VCF-style: chrX-106844066-C-T.
Other names: c.2392C>T, p.Leu798= (NM_001388462.1); c.2896C>T, p.Leu966= (NM_032428.2).
Identifiers: ClinVar variation 2661147 (VCV002661147.24), dbSNP rs761550933, ClinGen allele CA10485233.